The following is an entry in ClinVar:

NM_006494.4(ERF):c.404T>G (p.Val135Gly)

Gene: ERF (ETS2 repressor factor; minus strand). Cytogenetic location: 19q13.2.
Variant type: single nucleotide variant.
Coding change: c.404T>G on transcript NM_006494.4 (MANE Select); coding-DNA position 404, T replaced by G.
Protein change: p.Val135Gly; replaces valine 135 with glycine.
Molecular consequence: missense variant.
Genome position (GRCh38, 1-based): chr19:42,249,708, A>C on the plus strand (T>G on the coding strand, the complement: ERF is on the minus strand). VCF-style: chr19-42249708-A-C. GRCh37 (hg19) VCF-style: chr19-42753860-A-C.
Other names: c.179T>G, p.Val60Gly (NM_001301035.2, NM_001308402.2, NM_001312656.2); short protein forms V135G, V60G.
Identifiers: ClinVar variation 3371389 (VCV003371389.1).

ClinVar aggregate classification (germline): Uncertain significance (1 of 4 stars; one submission).

Submission:

GeneDx
Classification: Uncertain significance. Last evaluated: 2024-03-26. Review status: criteria provided, single submitter. Criteria: GeneDx Variant Classification Process June 2021. Collection method: clinical testing. Allele origin: germline. Affected: yes.
Comment: Not observed at significant frequency in large population cohorts (gnomAD); In silico analysis supports that this missense variant does not alter protein structure/function; Has not been previously published as pathogenic or benign to our knowledge